The following is an entry in ClinVar:

NM_145239.3(PRRT2):c.1012+58_1013del

Genes: MVP-DT (MVP divergent transcript; minus strand), PRRT2 (proline rich transmembrane protein 2; plus strand). Cytogenetic location: 16p11.2.
Variant type: Deletion.
Coding change: c.1012+58_1013del on transcript NM_145239.3 (MANE Select); 58 bases into the intron after coding-DNA position 1012 through coding-DNA position 1013, 106 bases deleted.
Molecular consequence: splice acceptor variant. On other transcripts: frameshift variant (1), 3 prime UTR variant (1).
Genome position (GRCh38, 1-based): chr16:29,814,523-29,814,628, 106 bases deleted. GRCh37 (hg19): chr16:29,825,844-29,825,949.
Other names: c.1070_1175del, p.Leu357fs (NM_001256442.2); c.*569_*674del (NM_001256443.2); short protein forms L357fs.
Identifiers: ClinVar variation 861392 (VCV000861392.8), dbSNP rs1900147386, ClinGen allele CA916083491.

ClinVar aggregate classification (germline): Uncertain significance (1 of 4 stars; one submission).

Conditions:
Episodic kinesigenic dyskinesia (EKD). Also called: Paroxysmal kinesigenic dyskinesia. Identifiers: Orphanet 98809, MedGen C1868682, MONDO:0044202.

Submission:

Labcorp Genetics (formerly Invitae), Labcorp
Classification: Uncertain significance for Episodic kinesigenic dyskinesia. Last evaluated: 2019-11-12. Review status: criteria provided, single submitter. Criteria: Invitae Variant Classification Sherloc (09022015). Collection method: clinical testing. Allele origin: germline.
Comment: In summary, the available evidence is currently insufficient to determine the role of this variant in disease. Therefore, it has been classified as a Variant of Uncertain Significance. Nucleotide substitutions within the consensus splice site are a relatively common cause of aberrant splicing (PMID: 17576681, 9536098). This variant has not been reported in the literature in individuals with PRRT2-related conditions. This sequence change affects an acceptor splice site in the last intron (intron 3) of the PRRT2 gene. While this is not anticipated to result in nonsense mediated decay, it likely alters RNA splicing and results in a disrupted protein product.

Literature cited by the submitters: PubMed 17576681; PubMed 9536098.